The following is an entry in ClinVar:

NM_006231.4(POLE):c.3026T>C (p.Val1009Ala)

Gene: POLE (DNA polymerase epsilon, catalytic subunit; minus strand). Cytogenetic location: 12q24.33.
Variant type: single nucleotide variant.
Coding change: c.3026T>C on transcript NM_006231.4 (MANE Select); coding-DNA position 3026, T replaced by C.
Protein change: p.Val1009Ala; replaces valine 1009 with alanine.
Molecular consequence: missense variant.
Genome position (GRCh38, 1-based): chr12:132,661,003, A>G on the plus strand (T>C on the coding strand, the complement: POLE is on the minus strand). VCF-style: chr12-132661003-A-G. GRCh37 (hg19) VCF-style: chr12-133237589-A-G.
Other names: short protein forms V1009A.
Identifiers: ClinVar variation 3225432 (VCV003225432.1), dbSNP rs2138689195, ClinGen allele CA387392256.
Genomic context (GRCh38, chr12:132,661,003, plus strand): 5'-GGTGAGGGTGGAGGGTAGGCCTTTACCTTGCTGTACAGCACGTCCAGCCAGTAGTCAGCC[A>G]CCTTGGCTACAGAGCCATACACCTCTTCCAGCGTGCTGCCCTTGAGGAAGGCCTCAAACA-3'
Protein context (NP_006222.2, residues 999-1019): LEEVYGSVAK[Val1009Ala]ADYWLDVLYS

ClinVar aggregate classification (germline): Uncertain significance (1 of 4 stars; one submission).

Conditions:
Hereditary cancer-predisposing syndrome. Also called: Neoplastic Syndromes, Hereditary; Tumor predisposition; Hereditary neoplastic syndrome; Hereditary Cancer Syndrome. Identifiers: Orphanet 140162, MedGen C0027672, MeSH D009386, MONDO:0015356.

Submission:

Ambry Genetics
Classification: Uncertain significance for Hereditary cancer-predisposing syndrome. Last evaluated: 2023-12-23. Review status: criteria provided, single submitter. Criteria: Ambry Variant Classification Scheme 2023. Collection method: clinical testing. Allele origin: germline.
Comment: The p.V1009A variant (also known as c.3026T>C), located in coding exon 25 of the POLE gene, results from a T to C substitution at nucleotide position 3026. The valine at codon 1009 is replaced by alanine, an amino acid with similar properties. This amino acid position is conserved. In addition, the in silico prediction for this alteration is inconclusive. Since supporting evidence is limited at this time, the clinical significance of this alteration remains unclear.